The following is an entry in ClinVar:

NM_002234.4(KCNA5):c.1494G>A (p.Ser498=)

Gene: KCNA5 (potassium voltage-gated channel subfamily A member 5; plus strand). Cytogenetic location: 12p13.32.
Variant type: single nucleotide variant.
Coding change: c.1494G>A on transcript NM_002234.4 (MANE Select); coding-DNA position 1494, G replaced by A.
Protein change: p.Ser498=; no amino-acid change (serine 498 retained).
Molecular consequence: synonymous variant.
Genome position (GRCh38, 1-based): chr12:5,045,641, G>A. VCF-style: chr12-5045641-G-A. GRCh37 (hg19) VCF-style: chr12-5154807-G-A.
Identifiers: ClinVar variation 4737951 (VCV004737951.1).
Genomic context (GRCh38, chr12:5,045,641, plus strand): 5'-GACCACTGTGGGCTACGGGGACATGAGGCCCATCACTGTTGGGGGCAAGATCGTGGGCTC[G>A]CTGTGTGCCATCGCCGGGGTCCTCACCATTGCCCTGCCTGTGCCCGTCATCGTCTCCAAC-3'
Protein context (NP_002225.2, residues 488-508): PITVGGKIVG[Ser498=]LCAIAGVLTI

ClinVar aggregate classification (germline): Uncertain significance (1 of 4 stars; one submission).

Conditions:
Atrial fibrillation, familial, 7 (ATFB7). Identifiers: MedGen C2677106, MONDO:0012828, OMIM 612240.

gnomAD v4.1: 24 of 1,614,210 alleles (0.0015%); highest among the groups gnomAD compares: South Asian, 0.024%; no homozygotes.

Submission:

Labcorp Genetics (formerly Invitae), Labcorp
Classification: Uncertain significance for Atrial fibrillation, familial, 7. Last evaluated: 2025-07-09. Review status: criteria provided, single submitter. Criteria: Invitae Variant Classification Sherloc (09022015). Collection method: clinical testing. Allele origin: germline.
Comment: This sequence change affects codon 498 of the KCNA5 mRNA. It is a 'silent' change, meaning that it does not change the encoded amino acid sequence of the KCNA5 protein. This variant is present in population databases (rs576837393, gnomAD 0.02%). This variant has not been reported in the literature in individuals affected with KCNA5-related conditions. In summary, the available evidence is currently insufficient to determine the role of this variant in disease. Therefore, it has been classified as a Variant of Uncertain Significance.